The following is an entry in ClinVar:

NM_001382.4(DPAGT1):c.457A>C (p.Lys153Gln)

Gene: DPAGT1 (dolichyl-phosphate N-acetylglucosaminephosphotransferase 1; minus strand). Cytogenetic location: 11q23.3.
Variant type: single nucleotide variant.
Coding change: c.457A>C on transcript NM_001382.4 (MANE Select); coding-DNA position 457, A replaced by C.
Protein change: p.Lys153Gln; replaces lysine 153 with glutamine.
Molecular consequence: missense variant.
Genome position (GRCh38, 1-based): chr11:119,100,669, T>G on the plus strand (A>C on the coding strand, the complement: DPAGT1 is on the minus strand). VCF-style: chr11-119100669-T-G. GRCh37 (hg19) VCF-style: chr11-118971379-T-G.
Other names: short protein forms K153Q.
Identifiers: ClinVar variation 942081 (VCV000942081.9), dbSNP rs1946485389, ClinGen allele CA382914989.

ClinVar aggregate classification (germline): Uncertain significance (1 of 4 stars; one submission).

Conditions:
DPAGT1-congenital disorder of glycosylation. Also called: DPAGT1-CDG; CONGENITAL DISORDER OF GLYCOSYLATION, TYPE Ij; CDG Ij. Identifiers: Orphanet 86309, MedGen C2931004, MONDO:0011964, OMIM 608093.
Congenital myasthenic syndrome 13 (CMS13). Also called: Myasthenic syndrome, congenital, with tubular aggregates 2; Myasthenic syndrome, congenital, 13, with tubular aggregates. Identifiers: Orphanet 353327, Orphanet 590, MedGen C3553645, MONDO:0013883, OMIM 614750.

Submission:

Labcorp Genetics (formerly Invitae), Labcorp
Classification: Uncertain significance for Congenital myasthenic syndrome 13; DPAGT1-congenital disorder of glycosylation. Last evaluated: 2022-07-25. Review status: criteria provided, single submitter. Criteria: Invitae Variant Classification Sherloc (09022015). Collection method: clinical testing. Allele origin: germline.
Comment: This variant has not been reported in the literature in individuals affected with DPAGT1-related conditions. In summary, the available evidence is currently insufficient to determine the role of this variant in disease. Therefore, it has been classified as a Variant of Uncertain Significance. Algorithms developed to predict the effect of sequence changes on RNA splicing suggest that this variant may create or strengthen a splice site. Algorithms developed to predict the effect of missense changes on protein structure and function are either unavailable or do not agree on the potential impact of this missense change (SIFT: "Tolerated"; PolyPhen-2: "Probably Damaging"; Align-GVGD: "Class C0"). ClinVar contains an entry for this variant (Variation ID: 942081). This variant is not present in population databases (gnomAD no frequency). This sequence change replaces lysine, which is basic and polar, with glutamine, which is neutral and polar, at codon 153 of the DPAGT1 protein (p.Lys153Gln).